The following is an entry in ClinVar:

ClinVar aggregate classification (germline): Uncertain significance (1 of 4 stars; one submission).

Submission:

GeneDx
Classification: Uncertain significance. Last evaluated: 2018-04-10. Review status: criteria provided, single submitter. Criteria: GeneDx Variant Classification (06012015). Collection method: clinical testing. Allele origin: germline. Affected: yes.
Comment: The c.7047delT variant in the CACNA1G gene has not been reported previously as a pathogenic variant nor as a benign variant, to our knowledge. The c.7047delT variant causes a frameshift starting with Aspartic Acid 2350, changes this amino acid to a Threonine residue, and creates a premature Stop codon at position 14 of the new reading frame, denoted p.Asp2350ThrfsX14. This variant is predicted to cause loss of normal protein function through protein truncation; the last 28 amino acids are replaced with 13 incorrect amino acids. The c.7047delT variant was not observed in approximately 6100 individuals of European and African American ancestry in the NHLBI Exome Sequencing Project, indicating it is not a common benign variant in these populations. Therefore, we interpret c.7047delT as a variant of uncertain significance.

NM_018896.5(CACNA1G):c.7047del (p.Asp2350fs)

Gene: CACNA1G (calcium voltage-gated channel subunit alpha1 G; plus strand). Cytogenetic location: 17q21.33.
Variant type: Deletion.
Coding change: c.7047del on transcript NM_018896.5 (MANE Select); coding-DNA position 7047, one base deleted (T; older notation c.7047delT).
Protein change: p.Asp2350fs; shifts the reading frame from aspartic acid 2350.
Molecular consequence: frameshift variant. On other transcripts: non-coding transcript variant (5).
Genome position (GRCh38, 1-based): chr17:50,626,664, T deleted. VCF-style (leftmost placement, unchanged base first): chr17-50626663-CT-C. GRCh37 (hg19) VCF-style: chr17-48704024-CT-C.
Other names: c.6858del, p.Asp2287fs (NM_001256324.2); c.6789del, p.Asp2264fs (NM_001256325.2); c.6777del, p.Asp2260fs (NM_001256326.2); c.6747del, p.Asp2250fs (NM_001256327.2); c.6693del, p.Asp2232fs (NM_001256328.2); c.6666del, p.Asp2223fs (NM_001256329.2, NM_198387.3); c.6633del, p.Asp2212fs (NM_001256330.2); c.6612del, p.Asp2205fs (NM_001256331.2); and 18 more; short protein forms D2167fs, D2205fs, D2230fs, D2279fs, D2316fs, D2339fs, D2200fs, D2234fs.
Identifiers: ClinVar variation 421607 (VCV000421607.2), dbSNP rs1064795245, ClinGen allele CA16620483.